The following is an entry in ClinVar:

NM_004408.4(DNM1):c.1422+3G>A

Gene: DNM1 (dynamin 1; plus strand). Cytogenetic location: 9q34.11.
Variant type: single nucleotide variant.
Coding change: c.1422+3G>A on transcript NM_004408.4 (MANE Select); 3 bases into the intron after coding-DNA position 1422, G replaced by A.
Molecular consequence: intron variant.
Genome position (GRCh38, 1-based): chr9:128,234,110, G>A. VCF-style: chr9-128234110-G-A. GRCh37 (hg19) VCF-style: chr9-130996389-G-A.
Other names: c.1422+3G>A (NM_001005336.3, NM_001288738.2, NM_001288737.2 and 1 more transcripts).
Identifiers: ClinVar variation 509246 (VCV000509246.2), dbSNP rs1280163668, ClinGen allele CA590619554.
Genomic context (GRCh38, chr9:128,234,110, plus strand): 5'-GATGGAGCGCATCGTGACCACCCACATCCGGGAGCGCGAGGGCCGCACTAAGGAGCAGGT[G>A]AGCCCCGCAGCACCCGGCCTGGCCGCGCCTTCCTTCCACTCCTGGCCGCCTGCGCCTTCC-3'

ClinVar aggregate classification (germline): Conflicting classifications of pathogenicity. Review status: criteria provided, conflicting classifications (1 of 4 stars). 2 submissions from 2 submitters: Uncertain significance (1); Likely benign (1). Last evaluated 2025-08-20.

Conditions:
Developmental and epileptic encephalopathy, 31A. Also called: Developmental and epileptic encephalopathy, 31; Epileptic encephalopathy, early infantile, 31. Identifiers: Orphanet 2382, MedGen C4225357, MONDO:0014598, OMIM 616346.

Allele frequency attached by ClinVar (database versions not stated): gnomAD 0.00001; gnomAD exomes 0.00001; TOPMed 0.00001.
gnomAD v4.1: 6 of 1,540,180 alleles (0.00039%); highest among the groups gnomAD compares: Non-Finnish European, 0.00044%; no homozygotes.

Submissions (2):

Labcorp Genetics (formerly Invitae), Labcorp
Classification: Uncertain significance for Developmental and epileptic encephalopathy, 31A. Last evaluated: 2025-08-20. Review status: criteria provided, single submitter. Criteria: Invitae Variant Classification Sherloc (09022015). Collection method: clinical testing. Allele origin: germline.
Comment: This sequence change falls in intron 11 of the DNM1 gene. It does not directly change the encoded amino acid sequence of the DNM1 protein. It affects a nucleotide within the consensus splice site. The frequency data for this variant in the population databases is considered unreliable, as metrics indicate poor data quality at this position in the gnomAD database. This variant has not been reported in the literature in individuals affected with DNM1-related conditions. ClinVar contains an entry for this variant (Variation ID: 509246). Variants that disrupt the consensus splice site are a relatively common cause of aberrant splicing (PMID: 17576681, 9536098). Algorithms developed to predict the effect of sequence changes on RNA splicing suggest that this variant is not likely to affect RNA splicing. In summary, the available evidence is currently insufficient to determine the role of this variant in disease. Therefore, it has been classified as a Variant of Uncertain Significance.

GeneDx
Classification: Likely benign. Last evaluated: 2017-04-28. Review status: criteria provided, single submitter. Criteria: GeneDx Variant Classification (06012015). Collection method: clinical testing. Allele origin: germline. Affected: yes.
Comment: This variant is considered likely benign or benign based on one or more of the following criteria: it is a conservative change, it occurs at a poorly conserved position in the protein, it is predicted to be benign by multiple in silico algorithms, and/or has population frequency not consistent with disease.

Literature cited by the submitters: PubMed 17576681 (cited by Labcorp Genetics (formerly Invitae), Labcorp); PubMed 9536098 (cited by Labcorp Genetics (formerly Invitae), Labcorp).